The following is an entry in ClinVar:

ClinVar aggregate classification (germline): Conflicting classifications of pathogenicity. Review status: criteria provided, conflicting classifications (1 of 4 stars). 3 submissions from 3 submitters: Uncertain significance (2); Likely benign (1). Last evaluated 2026-09-04.

Conditions:
Charcot-Marie-Tooth disease type 4B3. Also called: CHARCOT-MARIE-TOOTH DISEASE, DEMYELINATING, TYPE 4B3; Charcot-Marie-Tooth Neuropathy Type 4B3. Identifiers: Orphanet 363981, MedGen C3695063, MONDO:0014117, OMIM 615284.

Allele frequency attached by ClinVar (database versions not stated): ESP Exome Variant Server 0.00023; gnomAD exomes 0.00031; gnomAD 0.00021; TOPMed 0.00019; ExAC 0.00026; 1000 Genomes Project 30x 0.00031; 1000 Genomes Project 0.00040.
gnomAD v4.1: 410 of 1,613,146 alleles (0.025%); highest among the groups gnomAD compares: Non-Finnish European, 0.019%; 2 homozygotes.

Submissions (3):

GeneDx
Classification: Uncertain significance. Last evaluated: 2026-09-04. Review status: criteria provided, single submitter. Criteria: GeneDx Variant Classification Process June 2021. Collection method: clinical testing. Allele origin: germline.
Comment: In silico analysis supports that this missense variant has a deleterious effect on protein structure/function; Has not been previously published as pathogenic or benign to our knowledge

Labcorp Genetics (formerly Invitae), Labcorp
Classification: Likely benign. Last evaluated: 2026-02-03. Review status: criteria provided, single submitter. Criteria: Invitae Variant Classification Sherloc (09022015). Collection method: clinical testing. Allele origin: germline.

Genomic Research Center, Shahid Beheshti University of Medical Sciences
Classification: Uncertain significance for Charcot-Marie-Tooth disease, type 4B3. Last evaluated: 2019-04-27. Review status: criteria provided, single submitter. Criteria: ACMG Guidelines, 2015. Collection method: clinical testing. Allele origin: unknown. Affected: no.

NM_002972.4(SBF1):c.1918G>C (p.Glu640Gln)

Gene: SBF1 (SET binding factor 1; minus strand). Cytogenetic location: 22q13.33.
Variant type: single nucleotide variant.
Coding change: c.1918G>C on transcript NM_002972.4 (MANE Select); coding-DNA position 1918, G replaced by C.
Protein change: p.Glu640Gln; replaces glutamic acid 640 with glutamine.
Molecular consequence: missense variant.
Genome position (GRCh38, 1-based): chr22:50,462,920, C>G on the plus strand (G>C on the coding strand, the complement: SBF1 is on the minus strand). VCF-style: chr22-50462920-C-G. GRCh37 (hg19) VCF-style: chr22-50901349-C-G.
Other names: c.1921G>C, p.Glu641Gln (NM_001365819.1); short protein forms E640Q, E641Q.
Identifiers: ClinVar variation 638527 (VCV000638527.16), dbSNP rs199783239, ClinGen allele CA10317457.